The following is an entry in ClinVar:

ClinVar aggregate classification (germline): Uncertain significance (1 of 4 stars; one submission).

Conditions:
Glycogen storage disease type III (GSD3). Also called: Cori disease; FORBES DISEASE. Identifiers: Orphanet 366, MedGen C0017922, MONDO:0009291, OMIM 232400.

gnomAD v4.1: 7 of 1,612,452 alleles (0.00043%); highest among the groups gnomAD compares: Non-Finnish European, 0.00059%; no homozygotes.

Submission:

Labcorp Genetics (formerly Invitae), Labcorp
Classification: Uncertain significance for Glycogen storage disease type III. Last evaluated: 2022-03-21. Review status: criteria provided, single submitter. Criteria: Invitae Variant Classification Sherloc (09022015). Collection method: clinical testing. Allele origin: germline.
Comment: In summary, the available evidence is currently insufficient to determine the role of this variant in disease. Therefore, it has been classified as a Variant of Uncertain Significance. Algorithms developed to predict the effect of sequence changes on RNA splicing suggest that this variant may disrupt the consensus splice site. This variant has not been reported in the literature in individuals affected with AGL-related conditions. This variant is present in population databases (no rsID available, gnomAD 0.0009%). This sequence change affects codon 1121 of the AGL mRNA. It is a 'silent' change, meaning that it does not change the encoded amino acid sequence of the AGL protein. It affects a nucleotide within the consensus splice site.

NM_000642.3(AGL):c.3363G>A (p.Arg1121=)

Gene: AGL (amylo-alpha-1,6-glucosidase and 4-alpha-glucanotransferase; plus strand). Cytogenetic location: 1p21.2.
Variant type: single nucleotide variant.
Coding change: c.3363G>A on transcript NM_000642.3 (MANE Select); coding-DNA position 3363, G replaced by A.
Protein change: p.Arg1121=; no amino-acid change (arginine 1121 retained).
Molecular consequence: synonymous variant.
Genome position (GRCh38, 1-based): chr1:99,900,636, G>A. VCF-style: chr1-99900636-G-A. GRCh37 (hg19) VCF-style: chr1-100366192-G-A.
Other names: c.3363G>A, p.Arg1121= (NM_000028.3, NM_000643.3, NM_000644.3 and 1 more transcripts); c.3315G>A, p.Arg1105= (NM_000646.3); c.3342G>A, p.Arg1114= (NM_001425326.1); c.3162G>A, p.Arg1054= (NM_001425327.1); c.3159G>A, p.Arg1053= (NM_001425328.1); c.3024G>A, p.Arg1008= (NM_001425329.1); c.2985G>A, p.Arg995= (NM_001425332.1).
Identifiers: ClinVar variation 1918675 (VCV001918675.5), dbSNP rs1242081166, ClinGen allele CA419314752.
Genomic context (GRCh38, chr1:99,900,636, plus strand): 5'-TTGTCTTCAATTTTTAAGTGTTTGTTTTCATTTCTGATCCACTTAATTCTGTTGTTTTAG[G>A]AATATTATTTTAGCATTTGCGGGTACCCTGAGGCATGGTCTCATTCCTAATCTACTGGGT-3'
Protein context (NP_000633.2, residues 1111-1131): LLITGRYVEA[Arg1121=]NIILAFAGTL